The following is an entry in ClinVar:

GRCh37/hg19 15q11.2-13.1(chr15:23632677-28723454)x3

Genes: ATP10A (ATPase phospholipid transporting 10A (putative); minus strand), GABRA5 (gamma-aminobutyric acid type A receptor subunit alpha5; plus strand), GABRB3 (gamma-aminobutyric acid type A receptor subunit beta3; minus strand), GABRG3 (gamma-aminobutyric acid type A receptor subunit gamma3; plus strand), GOLGA6L2 (golgin A6 family like 2; minus strand) and 19 more. Cytogenetic location: 15q11.2-13.1.
Variant type: copy number gain.
Change: copy number 3 (three copies instead of two) of chr15:23,632,677-28,723,454 (5.09 Mb, GRCh37 coordinates, 1-based), cytogenetic band 15q11.2-13.1.
Identifiers: ClinVar variation 564160 (VCV000564160.3).

ClinVar aggregate classification (germline): Pathogenic (0 of 4 stars; one submission).

Submission:

Quest Diagnostics Nichols Institute San Juan Capistrano
Classification: Pathogenic. Last evaluated: 2021-04-01. Review status: no assertion criteria provided. Collection method: clinical testing. Allele origin: germline.
Comment: The 15q11q13 recurrent duplication interval (BP2-BP3) of the Prader-Willi/Angelman critical region is associated with 15q11-q13 duplication syndrome (OMIM 608636). Clinical features can vary between and within families and can include autism, intellectual disability, ataxia, seizures, developmental delays, and behavioral problems. Evidence suggests a parent-of-origin effect, with maternally derived duplications being more frequently associated with abnormal phenotypes. Paternally derived duplications have been reported often in unaffected individuals; however, they also have been identified in some individuals with clinical phenotypes, including autism (Urraca et al., Autism Res. 2013 Aug;6(4):268-79, PMID: 23495136) and seizures (Marini et al., Am J Med Genet A. 2013 Jun;161A(6):1459-64. PMID: 23633446). See GeneReviews for additional information and references.